The following is an entry in ClinVar:

ClinVar aggregate classification (germline): Uncertain significance (1 of 4 stars; one submission).

Conditions:
Pyogenic arthritis-pyoderma gangrenosum-acne syndrome (PAPA). Also called: PAPA SYNDROME; FAMILIAL RECURRENT ARTHRITIS. Identifiers: Orphanet 69126, MedGen C1858361, MONDO:0011462, OMIM 604416.

gnomAD v4.1: 2 of 1,584,798 alleles (0.00013%); highest among the groups gnomAD compares: Non-Finnish European, 0.000086%; no homozygotes.

Submission:

Labcorp Genetics (formerly Invitae), Labcorp
Classification: Uncertain significance for Pyogenic arthritis-pyoderma gangrenosum-acne syndrome. Last evaluated: 2024-06-13. Review status: criteria provided, single submitter. Criteria: Invitae Variant Classification Sherloc (09022015). Collection method: clinical testing. Allele origin: germline.
Comment: This sequence change replaces methionine, which is neutral and non-polar, with valine, which is neutral and non-polar, at codon 39 of the PSTPIP1 protein (p.Met39Val). This variant is not present in population databases (gnomAD no frequency). This variant has not been reported in the literature in individuals affected with PSTPIP1-related conditions. Advanced modeling of protein sequence and biophysical properties (such as structural, functional, and spatial information, amino acid conservation, physicochemical variation, residue mobility, and thermodynamic stability) performed at Invitae indicates that this missense variant is not expected to disrupt PSTPIP1 protein function with a negative predictive value of 80%. In summary, the available evidence is currently insufficient to determine the role of this variant in disease. Therefore, it has been classified as a Variant of Uncertain Significance.

NM_003978.5(PSTPIP1):c.115A>G (p.Met39Val)

Gene: PSTPIP1 (proline-serine-threonine phosphatase interacting protein 1; plus strand). Cytogenetic location: 15q24.3.
Variant type: single nucleotide variant.
Coding change: c.115A>G on transcript NM_003978.5 (MANE Select); coding-DNA position 115, A replaced by G.
Protein change: p.Met39Val; replaces methionine 39 with valine.
Molecular consequence: missense variant. On other transcripts: non-coding transcript variant (1).
Genome position (GRCh38, 1-based): chr15:77,018,226, A>G. VCF-style: chr15-77018226-A-G. GRCh37 (hg19) VCF-style: chr15-77310567-A-G.
Other names: c.115A>G, p.Met39Val (NM_001321135.2, NM_001411086.1); c.88A>G, p.Met30Val (NM_001321136.2); c.310A>G, p.Met104Val (NM_001321137.1); short protein forms M104V, M30V, M39V.
Identifiers: ClinVar variation 3684197 (VCV003684197.2).